The following is an entry in ClinVar:

NM_006267.5(RANBP2):c.2808G>C (p.Gln936His)

Gene: RANBP2 (RAN binding protein 2; plus strand). Cytogenetic location: 2q13.
Variant type: single nucleotide variant.
Coding change: c.2808G>C on transcript NM_006267.5 (MANE Select); coding-DNA position 2808, G replaced by C.
Protein change: p.Gln936His; replaces glutamine 936 with histidine.
Molecular consequence: missense variant.
Genome position (GRCh38, 1-based): chr2:108,763,347, G>C. VCF-style: chr2-108763347-G-C. GRCh37 (hg19) VCF-style: chr2-109379803-G-C.
Other names: c.2808G>C, p.Gln936His (NM_001415871.1, NM_001415873.1); c.2805G>C, p.Gln935His (NM_001415872.1); short protein forms Q935H, Q936H.
Identifiers: ClinVar variation 2572913 (VCV002572913.1), dbSNP rs755170681, ClinGen allele CA348059629.

ClinVar aggregate classification (germline): Uncertain significance (1 of 4 stars; one submission).

Submission:

GeneDx
Classification: Uncertain significance. Last evaluated: 2023-01-11. Review status: criteria provided, single submitter. Criteria: GeneDx Variant Classification Process June 2021. Collection method: clinical testing. Allele origin: germline. Affected: yes.
Comment: Not observed at significant frequency in large population cohorts (gnomAD); In silico analysis supports that this missense variant has a deleterious effect on protein structure/function; Has not been previously published as pathogenic or benign to our knowledge